The following is an entry in ClinVar:

ClinVar aggregate classification (germline): Pathogenic (1 of 4 stars; one submission).

gnomAD v4.1: 7 of 1,613,808 alleles (0.00043%); highest among the groups gnomAD compares: Non-Finnish European, 0.00051%; no homozygotes.

Submission:

Labcorp Genetics (formerly Invitae), Labcorp
Classification: Pathogenic. Last evaluated: 2025-06-13. Review status: criteria provided, single submitter. Criteria: Invitae Variant Classification Sherloc (09022015). Collection method: clinical testing. Allele origin: germline.
Comment: This sequence change creates a premature translational stop signal (p.Arg175*) in the TOP3A gene. It is expected to result in an absent or disrupted protein product. Loss-of-function variants in TOP3A are known to be pathogenic (PMID: 30057030). This variant is not present in population databases (gnomAD no frequency). This variant has not been reported in the literature in individuals affected with TOP3A-related conditions. Algorithms developed to predict the effect of sequence changes on RNA splicing suggest that this variant may disrupt the consensus splice site. For these reasons, this variant has been classified as Pathogenic.

Literature cited by the submitters: PubMed 30057030.

NM_004618.5(TOP3A):c.523C>T (p.Arg175Ter)

Gene: TOP3A (DNA topoisomerase III alpha; minus strand). Cytogenetic location: 17p11.2.
Variant type: single nucleotide variant.
Coding change: c.523C>T on transcript NM_004618.5 (MANE Select); coding-DNA position 523, C replaced by T.
Protein change: p.Arg175Ter; replaces arginine 175 with a stop codon.
Molecular consequence: nonsense.
Genome position (GRCh38, 1-based): chr17:18,302,700, G>A on the plus strand (C>T on the coding strand, the complement: TOP3A is on the minus strand). VCF-style: chr17-18302700-G-A. GRCh37 (hg19) VCF-style: chr17-18206014-G-A.
Other names: c.238C>T, p.Arg80Ter (NM_001320759.2); short protein forms R80*, R175*.
Identifiers: ClinVar variation 4770028 (VCV004770028.1).
Genomic context (GRCh38, chr17:18,302,700, plus strand): 5'-CGGTCAGGTTTTCACAAGCTGTCCTGACGGCATGGGGTGTGATCTCAGAGAATCGGGCTC[G>A]CAACACCTGCAGATTGGGCTTTACTGCAGAACACAAGGTGTTACCAAGGTCAAAGTCAAA-3'